The following is an entry in ClinVar:

NM_024312.5(GNPTAB):c.2868_2869del (p.Met957fs)

Gene: GNPTAB (N-acetylglucosamine-1-phosphate transferase subunits alpha and beta; minus strand). Cytogenetic location: 12q23.2.
Variant type: Microsatellite.
Coding change: c.2868_2869del on transcript NM_024312.5 (MANE Select); coding-DNA positions 2868 to 2869, 2 bases deleted (CA; older notation c.2868_2869delCA).
Protein change: p.Met957fs; shifts the reading frame from methionine 957.
Molecular consequence: frameshift variant.
Genome position (GRCh38, 1-based): chr12:101,761,610-101,761,611, TG deleted on the plus strand (CA on the coding strand, the reverse complement: GNPTAB is on the minus strand); deleting any 2 consecutive bases within chr12:101,761,610-101,761,613 gives the same sequence; the c. name uses the placement nearest the transcript's 3' end. VCF-style (leftmost placement, unchanged base first): chr12-101761609-ATG-A. GRCh37 (hg19) VCF-style: chr12-102155387-ATG-A.
Other names: short protein forms M957fs.
Identifiers: ClinVar variation 1072926 (VCV001072926.8), dbSNP rs2137112755, ClinGen allele CA2580616841.

ClinVar aggregate classification (germline): Pathogenic. Review status: criteria provided, multiple submitters, no conflicts (2 of 4 stars). 2 submissions from 2 submitters: Pathogenic (2). Last evaluated 2021-10-01.

Conditions:
Mucolipidosis type II. Also called: ML II ALPHA/BETA; Mucolipidosis 2; ML 2; Inclusion cell disease; Leroy Disease; N-acetylglucosamine 1phosphotransferase deficiency. Identifiers: Orphanet 576, MedGen C2673377, MONDO:0009650, OMIM 252500.
Pseudo-Hurler polydystrophy. Also called: MUCOLIPIDOSIS IIIA; ML III; ML III ALPHA/BETA; Type III Mucolipidosis; ML IIIA; Mucolipidosis III Alpha/Beta. Identifiers: Orphanet 423461, Orphanet 577, MedGen C0033788, MONDO:0018931, OMIM 252600.

Submissions (2):

Laboratory of Medical Genetics, National & Kapodistrian University of Athens
Classification: Pathogenic for Mucolipidosis type II. Last evaluated: 2021-10-01. Review status: criteria provided, single submitter. Criteria: ACMG Guidelines, 2015. Collection method: clinical testing. Allele origin: paternal. Affected: yes.
Comment: PVS1, PM2, PM3, PP4

Labcorp Genetics (formerly Invitae), Labcorp
Classification: Pathogenic for Pseudo-Hurler polydystrophy; Mucolipidosis type II. Last evaluated: 2020-07-03. Review status: criteria provided, single submitter. Criteria: Invitae Variant Classification Sherloc (09022015). Collection method: clinical testing. Allele origin: germline.
Comment: This variant is not present in population databases (ExAC no frequency). This sequence change creates a premature translational stop signal (p.Met957Alafs*5) in the GNPTAB gene. It is expected to result in an absent or disrupted protein product. This variant has not been reported in the literature in individuals with GNPTAB-related conditions. For these reasons, this variant has been classified as Pathogenic. Loss-of-function variants in GNPTAB are known to be pathogenic (PMID: 19617216, 25107912).

Literature cited by the submitters: PubMed 34008892 (cited by Laboratory of Medical Genetics, National & Kapodistrian University of Athens); PubMed 19617216 (cited by Labcorp Genetics (formerly Invitae), Labcorp); PubMed 25107912 (cited by Labcorp Genetics (formerly Invitae), Labcorp).